The following is an entry in ClinVar:

NM_201548.5(CERKL):c.1449GGA[3] (p.Glu486del)

Gene: CERKL (CERK like autophagy regulator; minus strand). Cytogenetic location: 2q31.3.
Variant type: Microsatellite.
Coding change: c.1449GGA[3] on transcript NM_201548.5 (MANE Select); three copies in a row of the 3-base unit GGA starting at c.1449; the reference has four copies in a row; one copy, 3 bases deleted.
Protein change: p.Glu486del; deletes glutamic acid 486.
Molecular consequence: inframe deletion. On other transcripts: non-coding transcript variant (2).
Genome position (GRCh38, 1-based): chr2:181,539,170-181,539,172, TCC deleted on the plus strand (GGA on the coding strand, the reverse complement: CERKL is on the minus strand); deleting any 3 consecutive bases within chr2:181,539,170-181,539,183 gives the same sequence; the position shown is the placement nearest the transcript's 3' end. VCF-style (leftmost placement, unchanged base first): chr2-181539169-ATCC-A. GRCh37 (hg19) VCF-style: chr2-182403896-ATCC-A.
Other names: c.1527GGA[3], p.Glu512del (NM_001030311.3); c.1110GGA[3], p.Glu373del (NM_001030312.3); c.1242GGA[3], p.Glu417del (NM_001030313.3); c.*729_*731GAG[3] (NM_001030314.1, NM_001030315.1); c.1395GGA[3], p.Glu468del (NM_001160277.2); c.1536_1538delGGA (NM_001030311.3); short protein forms E468del, E373del, E417del, E512del, E486del.
Identifiers: ClinVar variation 2153876 (VCV002153876.4), dbSNP rs750109553, ClinGen allele CA2010419.

ClinVar aggregate classification (germline): Conflicting classifications of pathogenicity. Review status: criteria provided, conflicting classifications (1 of 4 stars). 3 submissions from 3 submitters: Uncertain significance (2); Likely benign (1). Last evaluated 2025-08-21.

Conditions:
Retinal dystrophy. Also called: Inherited retinal dystrophy. Identifiers: Orphanet 71862, MedGen C0854723, MeSH D058499, MONDO:0019118, HP:0000556.

Submissions (3):

Labcorp Genetics (formerly Invitae), Labcorp
Classification: Uncertain significance. Last evaluated: 2025-08-21. Review status: criteria provided, single submitter. Criteria: Invitae Variant Classification Sherloc (09022015). Collection method: clinical testing. Allele origin: germline.
Comment: This variant, c.1536_1538del, results in the deletion of 1 amino acid(s) of the CERKL protein (p.Glu512del), but otherwise preserves the integrity of the reading frame. This variant is present in population databases (rs750109553, gnomAD 0.05%). This variant has not been reported in the literature in individuals affected with CERKL-related conditions. Experimental studies and prediction algorithms are not available or were not evaluated, and the functional significance of this variant is currently unknown. In summary, the available evidence is currently insufficient to determine the role of this variant in disease. Therefore, it has been classified as a Variant of Uncertain Significance.

Blueprint Genetics
Classification: Uncertain significance. Last evaluated: 2023-10-09. Review status: criteria provided, single submitter. Criteria: ACMG Guidelines, 2015. Collection method: clinical testing. Allele origin: germline.

Dept Of Ophthalmology, Nagoya University
Classification: Likely benign for Retinal dystrophy. Last evaluated: 2023-10-01. Review status: criteria provided, single submitter. Criteria: Submitter's publication. Collection method: research. Allele origin: germline. Affected: yes.